The following is an entry in ClinVar:

NM_016356.5(DCDC2):c.1099T>A (p.Ser367Thr)

Gene: DCDC2 (doublecortin domain containing 2; minus strand). Cytogenetic location: 6p22.3.
Variant type: single nucleotide variant.
Coding change: c.1099T>A on transcript NM_016356.5 (MANE Select); coding-DNA position 1099, T replaced by A.
Protein change: p.Ser367Thr; replaces serine 367 with threonine.
Molecular consequence: missense variant.
Genome position (GRCh38, 1-based): chr6:24,178,557, A>T on the plus strand (T>A on the coding strand, the complement: DCDC2 is on the minus strand). VCF-style: chr6-24178557-A-T. GRCh37 (hg19) VCF-style: chr6-24178785-A-T.
Other names: c.1099T>A, p.Ser367Thr (NM_001195610.2); short protein forms S367T.
Identifiers: ClinVar variation 1086769 (VCV001086769.17), dbSNP rs538198742, ClinGen allele CA3654513.

ClinVar aggregate classification (germline): Conflicting classifications of pathogenicity. Review status: criteria provided, conflicting classifications (1 of 4 stars). 5 submissions from 5 submitters: Uncertain significance (1); Likely benign (3). 1 of the submissions does not count toward it. Last evaluated 2025-11-13.

Conditions:
Autosomal recessive nonsyndromic hearing loss 66 (DFNB66). Also called: Deafness, autosomal recessive 66. Identifiers: Orphanet 90636, MedGen C1857750, MONDO:0012442, OMIM 610212.
Isolated neonatal sclerosing cholangitis (NSC). Also called: Sclerosing cholangitis, neonatal. Identifiers: Orphanet 480556, MedGen C4479344, MONDO:0018816, OMIM 617394.
DCDC2-related disorder. Also called: DCDC2-related condition.

Allele frequency attached by ClinVar (database versions not stated): gnomAD 0.00002 and 0.00008; TOPMed 0.00002; gnomAD exomes 0.00012 and 0.00026; ExAC 0.00031; 1000 Genomes Project 30x 0.00094; 1000 Genomes Project 0.00100.
gnomAD v4.1: 197 of 1,614,122 alleles (0.012%); highest among the groups gnomAD compares: South Asian, 0.18%; 2 homozygotes.

Submissions (5):

Labcorp Genetics (formerly Invitae), Labcorp
Classification: Likely benign for Autosomal recessive nonsyndromic hearing loss 66; Isolated neonatal sclerosing cholangitis. Last evaluated: 2025-11-13. Review status: criteria provided, single submitter. Criteria: Invitae Variant Classification Sherloc (09022015). Collection method: clinical testing. Allele origin: germline.

Blueprint Genetics
Classification: Likely benign. Last evaluated: 2024-10-04. Review status: criteria provided, single submitter. Criteria: ACMG Guidelines, 2015. Collection method: clinical testing. Allele origin: germline.

Revvity Omics, Revvity
Classification: Uncertain significance. Last evaluated: 2021-08-02. Review status: criteria provided, single submitter. Criteria: ACMG Guidelines, 2015. Collection method: clinical testing. Allele origin: germline.

GeneDx
Classification: Likely benign. Last evaluated: 2018-12-11. Review status: criteria provided, single submitter. Criteria: GeneDx Variant Classification Process June 2021. Collection method: clinical testing. Allele origin: germline. Affected: yes.

PreventionGenetics, part of Exact Sciences
Classification: Likely benign for DCDC2-related condition. Last evaluated: 2023-12-07. Review status: no assertion criteria provided. Collection method: clinical testing. Allele origin: germline. Not counted in ClinVar's aggregate classification.
Comment: This variant is classified as likely benign based on ACMG/AMP sequence variant interpretation guidelines (Richards et al. 2015 PMID: 25741868, with internal and published modifications).